The following is an entry in ClinVar:

ClinVar aggregate classification (germline): Uncertain significance (1 of 4 stars; one submission).

Allele frequency attached by ClinVar (database versions not stated): 1000 Genomes Project 30x 0.00062; 1000 Genomes Project 0.00020.
gnomAD v4.1: 48 of 1,614,150 alleles (0.003%); highest among the groups gnomAD compares: Admixed American, 0.015%; no homozygotes.

Submission:

Labcorp Genetics (formerly Invitae), Labcorp
Classification: Uncertain significance. Last evaluated: 2026-01-11. Review status: criteria provided, single submitter. Criteria: Invitae Variant Classification Sherloc (09022015). Collection method: clinical testing. Allele origin: germline.
Comment: This sequence change replaces lysine, which is basic and polar, with threonine, which is neutral and polar, at codon 435 of the RFWD3 protein (p.Lys435Thr). This variant is present in population databases (rs575485124, gnomAD 0.02%). This variant has not been reported in the literature in individuals affected with RFWD3-related conditions. ClinVar contains an entry for this variant (Variation ID: 2722280). An algorithm developed to predict the effect of missense changes on protein structure and function (PolyPhen-2) suggests that this variant is likely to be tolerated. In summary, the available evidence is currently insufficient to determine the role of this variant in disease. Therefore, it has been classified as a Variant of Uncertain Significance.

NM_018124.4(RFWD3):c.1304A>C (p.Lys435Thr)

Gene: RFWD3 (ring finger and WD repeat domain 3; minus strand). Cytogenetic location: 16q23.1.
Variant type: single nucleotide variant.
Coding change: c.1304A>C on transcript NM_018124.4 (MANE Select); coding-DNA position 1304, A replaced by C.
Protein change: p.Lys435Thr; replaces lysine 435 with threonine.
Molecular consequence: missense variant.
Genome position (GRCh38, 1-based): chr16:74,636,468, T>G on the plus strand (A>C on the coding strand, the complement: RFWD3 is on the minus strand). VCF-style: chr16-74636468-T-G. GRCh37 (hg19) VCF-style: chr16-74670366-T-G.
Other names: c.470A>C, p.Lys157Thr (NM_001370537.1, NM_001370539.1, NM_001370540.1 and 3 more transcripts); c.1304A>C, p.Lys435Thr (NM_001370534.1, NM_001370535.1, NM_001370536.1); short protein forms K157T, K435T.
Identifiers: ClinVar variation 2722280 (VCV002722280.3), dbSNP rs575485124, ClinGen allele CA8169254.